The following is an entry in ClinVar:

NM_022552.5(DNMT3A):c.1369C>A (p.Pro457Thr)

Gene: DNMT3A (DNA methyltransferase 3 alpha; minus strand). Cytogenetic location: 2p23.3.
Variant type: single nucleotide variant.
Coding change: c.1369C>A on transcript NM_022552.5 (MANE Select); coding-DNA position 1369, C replaced by A.
Protein change: p.Pro457Thr; replaces proline 457 with threonine.
Molecular consequence: missense variant. On other transcripts: non-coding transcript variant (1).
Genome position (GRCh38, 1-based): chr2:25,246,220, G>T on the plus strand (C>A on the coding strand, the complement: DNMT3A is on the minus strand). VCF-style: chr2-25246220-G-T. GRCh37 (hg19) VCF-style: chr2-25469089-G-T.
Other names: c.913C>A, p.Pro305Thr (NM_001320893.1); c.700C>A, p.Pro234Thr (NM_001375819.1); c.802C>A, p.Pro268Thr (NM_153759.3); c.1369C>A, p.Pro457Thr (NM_175629.2); short protein forms P234T, P268T, P305T, P457T.
Identifiers: ClinVar variation 4870038 (VCV004870038.1).

ClinVar aggregate classification (germline): Uncertain significance (1 of 4 stars; one submission).

Conditions:
Inborn genetic diseases. Identifiers: MedGen C0950123, MeSH D030342.

Submission:

Ambry Genetics
Classification: Uncertain significance for Inborn genetic diseases. Last evaluated: 2026-05-19. Review status: criteria provided, single submitter. Criteria: Ambry Variant Classification Scheme 2023. Collection method: clinical testing. Allele origin: germline.
Comment: The p.P457T variant (also known as c.1369C>A), located in coding exon 10 of the DNMT3A gene, results from a C to A substitution at nucleotide position 1369. The proline at codon 457 is replaced by threonine, an amino acid with highly similar properties. This amino acid position is conserved. In addition, the in silico prediction for this alteration is inconclusive. Based on the available evidence, the clinical significance of this variant remains unclear.